The following is an entry in ClinVar:

NM_003072.5(SMARCA4):c.4388AGA[1] (p.Lys1464del)

Gene: SMARCA4 (SWI/SNF related BAF chromatin remodeling complex subunit ATPase 4; plus strand). Cytogenetic location: 19p13.2.
Variant type: Microsatellite.
Coding change: c.4388AGA[1] on transcript NM_003072.5 (MANE Select); one copy of the 3-base unit AGA starting at c.4388; the reference has two copies in a row; one copy, 3 bases deleted.
Protein change: p.Lys1464del; deletes lysine 1464.
Molecular consequence: inframe deletion. On other transcripts: non-coding transcript variant (1).
Genome position (GRCh38, 1-based): chr19:11,041,527-11,041,529, AGA deleted; deleting any 3 consecutive bases within chr19:11,041,522-11,041,529 gives the same sequence; the position shown is the placement nearest the transcript's 3' end. VCF-style (leftmost placement, unchanged base first): chr19-11041521-TGAA-T. GRCh37 (hg19) VCF-style: chr19-11152197-TGAA-T.
Other names: c.4388AGA[1], p.Lys1464del (NM_001128844.3); c.4298AGA[1], p.Lys1434del (NM_001128845.2, NM_001128846.2); c.4289AGA[1], p.Lys1431del (NM_001128847.4, NM_001128848.2, NM_001374457.1); c.4484AGA[1], p.Lys1496del (NM_001128849.3, NM_001387283.1); c.4385AGA[1], p.Lys1463del (NM_001411150.1); short protein forms K1431del, K1434del, K1463del, K1464del, K1496del.
Identifiers: ClinVar variation 2731661 (VCV002731661.3), dbSNP rs2515495969, ClinGen allele CA2697556288.
Genomic context (GRCh38, chr19:11,041,521, plus strand): 5'-AGCGCGGGCGGCCGCCTGCCGAGAAACTCTCCCCTAACCCACCCAACCTCACCAAGAAGA[TGAA>T]GAAGATTGTGGATGCCGTGATCAAGTACAAGGACAGGTAAGCGAGGAGGCGGGGAGGGCG-3'

ClinVar aggregate classification (germline): Uncertain significance (1 of 4 stars; one submission).

Conditions:
Rhabdoid tumor predisposition syndrome 2 (RTPS2). Identifiers: Orphanet 231108, Orphanet 69077, MedGen C2750074, MONDO:0013224, OMIM 613325.

Submission:

Labcorp Genetics (formerly Invitae), Labcorp
Classification: Uncertain significance for Rhabdoid tumor predisposition syndrome 2. Last evaluated: 2024-04-18. Review status: criteria provided, single submitter. Criteria: Invitae Variant Classification Sherloc (09022015). Collection method: clinical testing. Allele origin: germline.
Comment: This variant, c.4487_4489del, results in the deletion of 1 amino acid(s) of the SMARCA4 protein (p.Lys1496del), but otherwise preserves the integrity of the reading frame. This variant is not present in population databases (gnomAD no frequency). This variant has not been reported in the literature in individuals affected with SMARCA4-related conditions. Experimental studies and prediction algorithms are not available or were not evaluated, and the functional significance of this variant is currently unknown. In summary, the available evidence is currently insufficient to determine the role of this variant in disease. Therefore, it has been classified as a Variant of Uncertain Significance.